The following is an entry in ClinVar:

ClinVar aggregate classification (germline): Likely pathogenic (1 of 4 stars; one submission).

Conditions:
Cerebellar atrophy with seizures and variable developmental delay. Identifiers: MedGen C5193132, MONDO:0032788, OMIM 618501.

Submission:

Neuberg Centre For Genomic Medicine, NCGM
Classification: Likely pathogenic for Cerebellar atrophy with seizures and variable developmental delay. Review status: criteria provided, single submitter. Criteria: ACMG Guidelines, 2015. Collection method: clinical testing. Allele origin: germline. Inheritance: Autosomal recessive inheritance. Affected: yes.
Comment: The stop gained variant in c.135G>A(p.Trp45Ter) in CACNA2D2 gene has not been reported previously as a pathogenic variant nor as a benign variant, to our knowledge. The c.135G>A variant is novel (not in any individuals) in gnomAD Exomes and 1000 Genomes. The nucleotide change c.135G>A in CACNA2D2 is predicted as conserved by GERP++ and PhyloP across 100 vertebrates. For these reasons, this variant has been classified as Likely Pathogenic.

NM_006030.4(CACNA2D2):c.135G>A (p.Trp45Ter)

Gene: CACNA2D2 (calcium voltage-gated channel auxiliary subunit alpha2delta 2; minus strand). Cytogenetic location: 3p21.31.
Variant type: single nucleotide variant.
Coding change: c.135G>A on transcript NM_006030.4 (MANE Select); coding-DNA position 135, G replaced by A.
Protein change: p.Trp45Ter; replaces tryptophan 45 with a stop codon.
Molecular consequence: nonsense. On other transcripts: intron variant (1).
Genome position (GRCh38, 1-based): chr3:50,503,289, C>T on the plus strand (G>A on the coding strand, the complement: CACNA2D2 is on the minus strand). VCF-style: chr3-50503289-C-T. GRCh37 (hg19) VCF-style: chr3-50540720-C-T.
Other names: c.135G>A, p.Trp45Ter (NM_001005505.3, NM_001174051.3, NM_001410768.1); c.-2+780G>A (NM_001291101.1); short protein forms W45*.
Identifiers: ClinVar variation 2585549 (VCV002585549.1), dbSNP rs2471323674, ClinGen allele CA353000308.